The following is an entry in ClinVar:

NM_001451.3(FOXF1):c.280A>T (p.Asn94Tyr)

Gene: FOXF1 (forkhead box F1; plus strand). Cytogenetic location: 16q24.1.
Variant type: single nucleotide variant.
Coding change: c.280A>T on transcript NM_001451.3 (MANE Select); coding-DNA position 280, A replaced by T.
Protein change: p.Asn94Tyr; replaces asparagine 94 with tyrosine.
Molecular consequence: missense variant.
Genome position (GRCh38, 1-based): chr16:86,510,849, A>T. VCF-style: chr16-86510849-A-T. GRCh37 (hg19) VCF-style: chr16-86544455-A-T.
Other names: short protein forms N94Y.
Identifiers: ClinVar variation 374061 (VCV000374061.5), dbSNP rs1057518868, ClinGen allele CA16043517.
Genomic context (GRCh38, chr16:86,510,849, plus strand): 5'-ATCTACCAGTTCCTGCAGAGCCGCTTCCCCTTCTTCCGGGGCTCCTACCAGGGCTGGAAG[A>T]ACTCCGTGCGCCACAACCTCTCGCTCAACGAGTGCTTCATCAAGCTACCCAAGGGCCTTG-3'
Protein context (NP_001442.2, residues 84-104): FFRGSYQGWK[Asn94Tyr]SVRHNLSLNE

ClinVar aggregate classification (germline): Likely pathogenic. Review status: criteria provided, single submitter (1 of 4 stars). 2 submissions from 1 submitter: Likely pathogenic (2). Last evaluated 2016-01-01.

Conditions:
Alveolar capillary dysplasia with pulmonary venous misalignment. Also called: Congenital alveolar capillary dysplasia; ALVEOLAR CAPILLARY DYSPLASIA WITH MISALIGNMENT OF PULMONARY VEINS AND OTHER CONGENITAL ANOMALIES; Alveolar capillary dysplasia with misalignment of pulmonary veins. Identifiers: Orphanet 210122, MedGen C2960310, MONDO:0009934, OMIM 265380.
Fetal megacystis. Identifiers: MedGen C2931117, HP:0010956.
Atresia of urethra. Also called: Urethral atresia. Identifiers: Orphanet 105, MedGen C0345345, MONDO:0015195, HP:0000068.
Ventricular septal defect. Identifiers: MedGen C0018818, MONDO:0002070, HP:0001629.

Submissions (2):

Centre for Mendelian Genomics, University Medical Centre Ljubljana
Classification: Likely pathogenic for Alveolar capillary dysplasia with pulmonary venous misalignment. Last evaluated: 2016-01-01. Review status: criteria provided, single submitter. Criteria: ACMG Guidelines, 2015. Collection method: clinical testing. Allele origin: unknown. Affected: yes.
Comment: This variant was classified as: Likely pathogenic.

Centre for Mendelian Genomics, University Medical Centre Ljubljana
Classification: Likely pathogenic for Fetal megacystis; Atresia of urethra; Ventricular septal defect. Last evaluated: 2015-03-10. Review status: criteria provided, single submitter. Criteria: ACMG Guidelines, 2015. Collection method: clinical testing. Allele origin: unknown. Affected: yes.